The following is an entry in ClinVar:

NC_000008.10:g.(?_90947810)_(90955604_?)del

Gene: NBN (nibrin; minus strand). Cytogenetic location: 8q21.3.
Variant type: Deletion.
Identifiers: ClinVar variation 3245496 (VCV003245496.1).

ClinVar aggregate classification (germline): Likely pathogenic (1 of 4 stars; one submission).

Conditions:
Microcephaly, normal intelligence and immunodeficiency (NBS). Also called: BERLIN BREAKAGE SYNDROME; Immunodeficiency, microcephaly with normal intelligence; IMMUNODEFICIENCY, MICROCEPHALY, AND CHROMOSOMAL INSTABILITY; SEEMANOVA SYNDROME II; Nijmegen breakage syndrome; Microcephaly with normal intelligence immunodeficiency and lymphoreticular malignancies. Identifiers: Orphanet 647, MedGen C0398791, MONDO:0009623, OMIM 251260.

Submission:

Labcorp Genetics (formerly Invitae), Labcorp
Classification: Likely pathogenic for Microcephaly, normal intelligence and immunodeficiency. Last evaluated: 2023-02-02. Review status: criteria provided, single submitter. Criteria: Invitae Variant Classification Sherloc (09022015). Collection method: clinical testing. Allele origin: unknown.
Comment: In summary, the currently available evidence indicates that the variant is pathogenic, but additional data are needed to prove that conclusively. Therefore, this variant has been classified as Likely Pathogenic. This variant disrupts the ATM interaction domain of the NBN protein (PMID: 24894818, 21035407), which is important for activating ATM in the double-strand break repair pathway (PMID: 15964794, 15048089). While functional studies have not been performed to directly test the effect of this variant on NBN protein function, this suggests that disruption of this region of the protein is causative of disease. This variant has not been reported in the literature in individuals affected with NBN-related conditions. This variant is a gross deletion of the genomic region encompassing exon(s) 14-16 of the NBN gene, which includes the termination codon. This deletion extends beyond the assayed region for this gene and therefore may encompass additional genes. While this deletion is not anticipated to lead to nonsense mediated decay, it is expected to alter mRNA translation or result in a truncated protein product.

Literature cited by the submitters: PubMed 24894818; PubMed 21035407; PubMed 15964794; PubMed 15048089.